The following is an entry in ClinVar:

NM_001365951.3(KIF1B):c.3365C>T (p.Thr1122Ile)

Gene: KIF1B (kinesin family member 1B; plus strand). Cytogenetic location: 1p36.22.
Variant type: single nucleotide variant.
Coding change: c.3365C>T on transcript NM_001365951.3 (MANE Select); coding-DNA position 3365, C replaced by T.
Protein change: p.Thr1122Ile; replaces threonine 1122 with isoleucine.
Molecular consequence: missense variant.
Genome position (GRCh38, 1-based): chr1:10,337,476, C>T. VCF-style: chr1-10337476-C-T. GRCh37 (hg19) VCF-style: chr1-10397534-C-T.
Other names: c.3365C>T, p.Thr1122Ile (NM_001365952.1); c.3227C>T, p.Thr1076Ile (NM_015074.3); short protein forms T1076I, T1122I.
Identifiers: ClinVar variation 3534050 (VCV003534050.1).

ClinVar aggregate classification (germline): Uncertain significance (1 of 4 stars; one submission).

Submission:

Ambry Genetics
Classification: Uncertain significance. Last evaluated: 2024-10-19. Review status: criteria provided, single submitter. Criteria: Ambry Variant Classification Scheme 2023. Collection method: clinical testing. Allele origin: germline.
Comment: The p.T1076I variant (also known as c.3227C>T), located in coding exon 28 of the KIF1B gene, results from a C to T substitution at nucleotide position 3227. The threonine at codon 1076 is replaced by isoleucine, an amino acid with similar properties. This amino acid position is conserved. In addition, this alteration is predicted to be deleterious by in silico analysis. Based on the available evidence, the clinical significance of this variant remains unclear.